The following is an entry in ClinVar:

NM_004667.6(HERC2):c.5907C>G (p.Asn1969Lys)

Gene: HERC2 (HECT and RLD domain containing E3 ubiquitin protein ligase 2; minus strand). Cytogenetic location: 15q13.1.
Variant type: single nucleotide variant.
Coding change: c.5907C>G on transcript NM_004667.6 (MANE Select); coding-DNA position 5907, C replaced by G.
Protein change: p.Asn1969Lys; replaces asparagine 1969 with lysine.
Molecular consequence: missense variant.
Genome position (GRCh38, 1-based): chr15:28,218,610, G>C on the plus strand (C>G on the coding strand, the complement: HERC2 is on the minus strand). VCF-style: chr15-28218610-G-C. GRCh37 (hg19) VCF-style: chr15-28463756-G-C.
Other names: short protein forms N1969K.
Identifiers: ClinVar variation 4527316 (VCV004527316.1).

ClinVar aggregate classification (germline): Uncertain significance (1 of 4 stars; one submission).

Submission:

GeneDx
Classification: Uncertain significance. Last evaluated: 2025-04-24. Review status: criteria provided, single submitter. Criteria: GeneDx Variant Classification Process June 2021. Collection method: clinical testing. Allele origin: germline. Affected: yes.
Comment: Not observed at significant frequency in large population cohorts (gnomAD); In silico analysis indicates that this missense variant does not alter protein structure/function; Has not been previously published as pathogenic or benign to our knowledge